The following is an entry in ClinVar:

NM_001165963.4(SCN1A):c.4286C>T (p.Ala1429Val)

Genes: SCN1A (sodium voltage-gated channel alpha subunit 1; minus strand), LOC102724058 (uncharacterized LOC102724058; plus strand). Cytogenetic location: 2q24.3.
Variant type: single nucleotide variant.
Coding change: c.4286C>T on transcript NM_001165963.4 (MANE Select); coding-DNA position 4286, C replaced by T.
Protein change: p.Ala1429Val; replaces alanine 1429 with valine.
Molecular consequence: missense variant. On other transcripts: non-coding transcript variant (1).
Genome position (GRCh38, 1-based): chr2:165,999,775, G>A on the plus strand (C>T on the coding strand, the complement: SCN1A is on the minus strand). VCF-style: chr2-165999775-G-A. GRCh37 (hg19) VCF-style: chr2-166856285-G-A.
Other names: c.4202C>T, p.Ala1401Val (NM_001165964.3, NM_001353957.2, NM_001353958.2); c.4286C>T, p.Ala1429Val (NM_001202435.3, NM_001353948.2); c.4253C>T, p.Ala1418Val (NM_001353949.2, NM_001353950.2, NM_001353951.2 and 2 more transcripts); c.4250C>T, p.Ala1417Val (NM_001353954.2, NM_001353955.2); c.4199C>T, p.Ala1400Val (NM_001353960.2); c.1844C>T, p.Ala615Val (NM_001353961.2); short protein forms A1400V, A1417V, A1418V, A615V, A1401V, A1429V.
Identifiers: ClinVar variation 1403815 (VCV001403815.9), dbSNP rs2105487145, ClinGen allele CA349049642.
Genomic context (GRCh38, chr2:165,999,775, plus strand): 5'-ATACTTACATTTCTGGAATCAACTGCTGCATACATTATATCCATCCATCCTTTGAATGTG[G>A]CCTATTAAGAAGGACATGCATGTTTTACTTTGGAGTAAAAATAATTTAGACCTGATGTTT-3'
Protein context (NP_001159435.1, residues 1419-1439): GFGYLSLLQV[Ala1429Val]TFKGWMDIMY

ClinVar aggregate classification (germline): Pathogenic (1 of 4 stars; one submission).

Conditions:
Early-infantile DEE. Also called: Early infantile epileptic encephalopathy; Ohtahara syndrome; Early infantile epileptic encephalopathy with suppression bursts. Identifiers: Orphanet 1934, MedGen C0393706, MONDO:0800491.

Submission:

Labcorp Genetics (formerly Invitae), Labcorp
Classification: Pathogenic for Early-infantile DEE. Last evaluated: 2024-06-24. Review status: criteria provided, single submitter. Criteria: Invitae Variant Classification Sherloc (09022015). Collection method: clinical testing. Allele origin: germline.
Comment: This sequence change replaces alanine, which is neutral and non-polar, with valine, which is neutral and non-polar, at codon 1429 of the SCN1A protein (p.Ala1429Val). This variant is not present in population databases (gnomAD no frequency). This missense change has been observed in individual(s) with clinical features of SCN1A-related conditions (PMID: 28084635, 35074891; Invitae). In at least one individual the variant was observed to be de novo. ClinVar contains an entry for this variant (Variation ID: 1403815). An algorithm developed to predict the effect of missense changes on protein structure and function (PolyPhen-2) suggests that this variant is likely to be disruptive. This variant disrupts the p.Ala1429 amino acid residue in SCN1A. Other variant(s) that disrupt this residue have been determined to be pathogenic (Invitae). This suggests that this residue is clinically significant, and that variants that disrupt this residue are likely to be disease-causing. For these reasons, this variant has been classified as Pathogenic.

Literature cited by the submitters: PubMed 28084635; PubMed 35074891.